The following is an entry in ClinVar:

ClinVar aggregate classification (germline): Likely pathogenic (1 of 4 stars; one submission).

Submission:

Dasa
Classification: Likely pathogenic. Last evaluated: 2025-05-19. Review status: criteria provided, single submitter. Criteria: DASA Assertion Criteria. Collection method: clinical testing. Allele origin: germline.
Comment: NM_001365999.1(SZT2):c.5981G>A (p.Trp1994*) is a nonsense variant in SZT2 predicted to introduce a premature termination codon and is predicted to result in an absent or altered protein product. Loss of function is an established disease mechanism for SZT2-associated disorders. Also, this variant is absent from population databases. Based on the currently available evidence, this variant is classified as likely pathogenic.

NM_001365999.1(SZT2):c.5981G>A (p.Trp1994Ter)

Gene: SZT2 (SZT2 subunit of KICSTOR complex; plus strand). Cytogenetic location: 1p34.2.
Variant type: single nucleotide variant.
Coding change: c.5981G>A on transcript NM_001365999.1 (MANE Select); coding-DNA position 5981, G replaced by A.
Protein change: p.Trp1994Ter; replaces tryptophan 1994 with a stop codon.
Molecular consequence: nonsense.
Genome position (GRCh38, 1-based): chr1:43,435,276, G>A. VCF-style: chr1-43435276-G-A. GRCh37 (hg19) VCF-style: chr1-43900947-G-A.
Other names: c.5810G>A, p.Trp1937Ter (NM_015284.4); short protein forms W1937*, W1994*.
Identifiers: ClinVar variation 4881658 (VCV004881658.2).